The following is an entry in ClinVar:

ClinVar aggregate classification (germline): Uncertain significance (1 of 4 stars; one submission).

gnomAD v4.1: 3 of 1,602,352 alleles (0.00019%); highest among the groups gnomAD compares: Non-Finnish European, 0.00026%; no homozygotes.

Submission:

Labcorp Genetics (formerly Invitae), Labcorp
Classification: Uncertain significance. Last evaluated: 2025-09-14. Review status: criteria provided, single submitter. Criteria: Invitae Variant Classification Sherloc (09022015). Collection method: clinical testing. Allele origin: germline.
Comment: This sequence change falls in intron 25 of the ITPR1 gene. It does not directly change the encoded amino acid sequence of the ITPR1 protein. This variant is not present in population databases (gnomAD no frequency). This variant has not been reported in the literature in individuals affected with ITPR1-related conditions. Algorithms developed to predict the effect of sequence changes on RNA splicing suggest that this variant may disrupt the consensus splice site. In summary, the available evidence is currently insufficient to determine the role of this variant in disease. Therefore, it has been classified as a Variant of Uncertain Significance.

NM_001378452.1(ITPR1):c.3161+7A>G

Gene: ITPR1 (inositol 1,4,5-trisphosphate receptor type 1; plus strand). Cytogenetic location: 3p26.1.
Variant type: single nucleotide variant.
Coding change: c.3161+7A>G on transcript NM_001378452.1 (MANE Select); 7 bases into the intron after coding-DNA position 3161, A replaced by G.
Molecular consequence: intron variant.
Genome position (GRCh38, 1-based): chr3:4,681,425, A>G. VCF-style: chr3-4681425-A-G. GRCh37 (hg19) VCF-style: chr3-4723109-A-G.
Other names: c.3134+7A>G (NM_001099952.4); c.3116+7A>G (NM_001168272.2); c.3089+7A>G (NM_002222.7).
Identifiers: ClinVar variation 4811599 (VCV004811599.1).
Genomic context (GRCh38, chr3:4,681,425, plus strand): 5'-TGCTCTTGACTTTGAACACATTGAAGAACAAGCAGAAGGCATCTTTGGAGGAAGGAAAGT[A>G]TATTTTCAGTTACTGTTTTGTAGGGAAGGCTGCTCTTCCAGAGCTCTCAGAGGCCTTCCC-3'